The following is an entry in ClinVar:

ClinVar aggregate classification (germline): Uncertain significance (1 of 4 stars; one submission).

Allele frequency attached by ClinVar (database versions not stated): gnomAD exomes below 0.00001; TOPMed 0.00001.
gnomAD v4.1: 5 of 1,597,774 alleles (0.00031%); highest among the groups gnomAD compares: East Asian, 0.0023%; no homozygotes.

Submission:

Labcorp Genetics (formerly Invitae), Labcorp
Classification: Uncertain significance. Last evaluated: 2022-09-12. Review status: criteria provided, single submitter. Criteria: Invitae Variant Classification Sherloc (09022015). Collection method: clinical testing. Allele origin: germline.
Comment: In summary, the available evidence is currently insufficient to determine the role of this variant in disease. Therefore, it has been classified as a Variant of Uncertain Significance. Experimental studies and prediction algorithms are not available or were not evaluated, and the functional significance of this variant is currently unknown. This variant has not been reported in the literature in individuals affected with TRAPPC9-related conditions. This variant is not present in population databases (gnomAD no frequency). This sequence change replaces glycine, which is neutral and non-polar, with valine, which is neutral and non-polar, at codon 56 of the TRAPPC9 protein (p.Gly56Val).

NM_031466.8(TRAPPC9):c.-128G>T

Gene: TRAPPC9 (trafficking protein particle complex subunit 9; minus strand). Cytogenetic location: 8q24.3.
Variant type: single nucleotide variant.
Coding change: c.-128G>T on transcript NM_031466.8; 128 bases upstream of the start codon, G replaced by T.
Molecular consequence: 5 prime UTR variant.
Genome position (GRCh38, 1-based): chr8:140,458,398, C>A on the plus strand (G>T on the coding strand, the complement: TRAPPC9 is on the minus strand). VCF-style: chr8-140458398-C-A. GRCh37 (hg19) VCF-style: chr8-141468497-C-A.
Identifiers: ClinVar variation 1985923 (VCV001985923.3), dbSNP rs1309119712, ClinGen allele CA372321103.